The following is an entry in ClinVar:

NM_001042472.3(ABHD12):c.385T>C (p.Tyr129His)

Gene: ABHD12 (abhydrolase domain containing 12, lysophospholipase; minus strand). Cytogenetic location: 20p11.21.
Variant type: single nucleotide variant.
Coding change: c.385T>C on transcript NM_001042472.3 (MANE Select); coding-DNA position 385, T replaced by C.
Protein change: p.Tyr129His; replaces tyrosine 129 with histidine.
Molecular consequence: missense variant.
Genome position (GRCh38, 1-based): chr20:25,323,362, A>G on the plus strand (T>C on the coding strand, the complement: ABHD12 is on the minus strand). VCF-style: chr20-25323362-A-G. GRCh37 (hg19) VCF-style: chr20-25303998-A-G.
Other names: c.385T>C, p.Tyr129His (NM_015600.5); short protein forms Y129H.
Identifiers: ClinVar variation 3572755 (VCV003572755.1).

ClinVar aggregate classification (germline): Uncertain significance (1 of 4 stars; one submission).

gnomAD v4.1: 3 of 1,614,122 alleles (0.00019%); highest among the groups gnomAD compares: Non-Finnish European, 0.00025%; no homozygotes.

Submission:

GeneDx
Classification: Uncertain significance. Last evaluated: 2024-07-11. Review status: criteria provided, single submitter. Criteria: GeneDx Variant Classification Process June 2021. Collection method: clinical testing. Allele origin: germline. Affected: yes.
Comment: Not observed at significant frequency in large population cohorts (gnomAD); In silico analysis supports that this missense variant has a deleterious effect on protein structure/function; Has not been previously published as pathogenic or benign to our knowledge